The following is an entry in ClinVar:

NM_005676.5(RBM10):c.2734G>A (p.Glu912Lys)

Gene: RBM10 (RNA binding motif protein 10; plus strand). Cytogenetic location: Xp11.3.
Variant type: single nucleotide variant.
Coding change: c.2734G>A on transcript NM_005676.5 (MANE Select); coding-DNA position 2734, G replaced by A.
Protein change: p.Glu912Lys; replaces glutamic acid 912 with lysine.
Molecular consequence: missense variant.
Genome position (GRCh38, 1-based): chrX:47,186,540, G>A. VCF-style: chrX-47186540-G-A. GRCh37 (hg19) VCF-style: chrX-47045939-G-A.
Other names: c.2503G>A, p.Glu835Lys (NM_001204466.2); c.2731G>A, p.Glu911Lys (NM_001204467.2); c.2929G>A, p.Glu977Lys (NM_001204468.2); c.2734G>A (NM_005676.4); c.2500G>A, p.Glu834Lys (NM_152856.3); short protein forms E911K, E977K, E834K, E835K, E912K.
Identifiers: ClinVar variation 2771399 (VCV002771399.4), dbSNP rs1935932338, ClinGen allele CA412810145.
Genomic context (GRCh38, chrX:47,186,540, plus strand): 5'-ACACGGGTGCGGGGCTCCGGCCTGGGTGCACGGGGCAGCTCCTACGGGGTCACCTCAACC[G>A]AGTCCTACAAGGAGACACTGCACAAGACAATGGTGACCCGCTTCAACGAGGCCCAGTGAG-3'
Protein context (NP_005667.2, residues 902-922): RGSSYGVTST[Glu912Lys]SYKETLHKTM

ClinVar aggregate classification (germline): Uncertain significance. Review status: criteria provided, multiple submitters, no conflicts (2 of 4 stars). 2 submissions from 2 submitters: Uncertain significance (2). Last evaluated 2025-08-15.

Conditions:
RBM10-related disorder. Also called: RBM10-related condition.

Submissions (2):

PreventionGenetics, part of Exact Sciences
Classification: Uncertain significance for RBM10-related condition. Last evaluated: 2025-08-15. Review status: criteria provided, single submitter. Criteria: ACMG Guidelines, 2015. Collection method: clinical testing. Allele origin: germline.
Comment: The RBM10 c.2734G>A variant is predicted to result in the amino acid substitution p.Glu912Lys. To our knowledge, this variant has not been reported in the literature or in a large population database (gnomAD), indicating this variant is rare. At this time, the clinical significance of this variant is uncertain due to the absence of conclusive functional and genetic evidence.

Labcorp Genetics (formerly Invitae), Labcorp
Classification: Uncertain significance. Last evaluated: 2023-10-26. Review status: criteria provided, single submitter. Criteria: Invitae Variant Classification Sherloc (09022015). Collection method: clinical testing. Allele origin: germline.
Comment: This sequence change replaces glutamic acid, which is acidic and polar, with lysine, which is basic and polar, at codon 912 of the RBM10 protein (p.Glu912Lys). This variant is not present in population databases (gnomAD no frequency). This variant has not been reported in the literature in individuals affected with RBM10-related conditions. Advanced modeling of protein sequence and biophysical properties (such as structural, functional, and spatial information, amino acid conservation, physicochemical variation, residue mobility, and thermodynamic stability) performed at Invitae indicates that this missense variant is not expected to disrupt RBM10 protein function with a negative predictive value of 80%. In summary, the available evidence is currently insufficient to determine the role of this variant in disease. Therefore, it has been classified as a Variant of Uncertain Significance.